The following is an entry in ClinVar:

ClinVar aggregate classification (germline): Pathogenic (1 of 4 stars; one submission).

Conditions:
Interstitial lung disease due to ABCA3 deficiency. Also called: PULMONARY ALVEOLAR PROTEINOSIS, CONGENITAL, 3. Identifiers: Orphanet 440402, MedGen C1970456, MONDO:0012582, OMIM 610921.

Submission:

Myriad Genetics, Inc.
Classification: Pathogenic for Interstitial lung disease due to ABCA3 deficiency. Last evaluated: 2024-11-27. Review status: criteria provided, single submitter. Criteria: Myriad Autosomal Dominant, Autosomal Recessive and X-Linked Classification Criteria (2023). Collection method: clinical testing. Allele origin: unknown.
Comment: NM_001089.2(ABCA3):c.233G>A(W78*) is expected to be pathogenic in the context of surfactant deficiency, ABCA3-related. This variant is predicted to lead to an abnormal or absent protein product due to the creation of a premature termination codon in ABCA3, a gene where loss-of-function variants are known to be pathogenic. Please note: this variant was assessed in the context of healthy population screening.

NM_001089.3(ABCA3):c.233G>A (p.Trp78Ter)

Gene: ABCA3 (ATP binding cassette subfamily A member 3; minus strand). Cytogenetic location: 16p13.3.
Variant type: single nucleotide variant.
Coding change: c.233G>A on transcript NM_001089.3 (MANE Select); coding-DNA position 233, G replaced by A.
Protein change: p.Trp78Ter; replaces tryptophan 78 with a stop codon.
Molecular consequence: nonsense.
Genome position (GRCh38, 1-based): chr16:2,326,096, C>T on the plus strand (G>A on the coding strand, the complement: ABCA3 is on the minus strand). VCF-style: chr16-2326096-C-T. GRCh37 (hg19) VCF-style: chr16-2376097-C-T.
Other names: short protein forms W78*.
Identifiers: ClinVar variation 5013812 (VCV005013812.1).
Genomic context (GRCh38, chr16:2,326,096, plus strand): 5'-CGCACTGTCTCAGTGACGGTCTTGGCAGCGTCACTGTGAGAAGGGATGTAGGCAAGCTCC[C>T]AGGTGTCTCCTGGCGGAGGGAAGGTGAAGAACAGAGGCAGCTCCTGGATGGACTGGCCCG-3'